The following is an entry in ClinVar:

NM_080732.4(EGLN2):c.406T>G (p.Trp136Gly)

Genes: EGLN2 (egl-9 family hypoxia inducible factor 2; plus strand), RAB4B-EGLN2 (RAB4B-EGLN2 readthrough (NMD candidate); plus strand). Cytogenetic location: 19q13.2.
Variant type: single nucleotide variant.
Coding change: c.406T>G on transcript NM_080732.4 (MANE Select); coding-DNA position 406, T replaced by G.
Protein change: p.Trp136Gly; replaces tryptophan 136 with glycine.
Molecular consequence: missense variant. On other transcripts: non-coding transcript variant (1).
Genome position (GRCh38, 1-based): chr19:40,800,978, T>G. VCF-style: chr19-40800978-T-G. GRCh37 (hg19) VCF-style: chr19-41306883-T-G.
Other names: c.406T>G, p.Trp136Gly (NM_053046.4); short protein forms W136G.
Identifiers: ClinVar variation 1737543 (VCV001737543.2), dbSNP rs2515993999, ClinGen allele CA405955182.

ClinVar aggregate classification (germline): Uncertain significance (1 of 4 stars; one submission).

Submission:

Ambry Genetics
Classification: Uncertain significance. Last evaluated: 2022-04-09. Review status: criteria provided, single submitter. Criteria: Ambry Variant Classification Scheme 2023. Collection method: clinical testing. Allele origin: germline.
Comment: The p.W136G variant (also known as c.406T>G), located in coding exon 1 of the EGLN2 gene, results from a T to G substitution at nucleotide position 406. The tryptophan at codon 136 is replaced by glycine, an amino acid with highly dissimilar properties. This amino acid position is conserved. In addition, this alteration is predicted to be tolerated by in silico analysis. Since supporting evidence is limited at this time, the clinical significance of this alteration remains unclear.